The following is an entry in ClinVar:

NM_000090.4(COL3A1):c.-10A>G

Gene: COL3A1 (collagen type III alpha 1 chain; plus strand). Cytogenetic location: 2q32.2.
Variant type: single nucleotide variant.
Coding change: c.-10A>G on transcript NM_000090.4 (MANE Select); 10 bases upstream of the start codon, A replaced by G.
Molecular consequence: 5 prime UTR variant.
Genome position (GRCh38, 1-based): chr2:188,974,480, A>G. VCF-style: chr2-188974480-A-G. GRCh37 (hg19) VCF-style: chr2-189839206-A-G.
Identifiers: ClinVar variation 919058 (VCV000919058.7), dbSNP rs41272793, ClinGen allele CA62577023.

ClinVar aggregate classification (germline): Uncertain significance. Review status: criteria provided, multiple submitters, no conflicts (2 of 4 stars). 2 submissions from 2 submitters: Uncertain significance (2). Last evaluated 2025-06-19.

Conditions:
Ehlers-Danlos syndrome, type 4 (EDSVASC). Also called: Ehlers-Danlos Syndrome Type IV; Ehlers-Danlos syndrome vascular type; Ehlers Danlos syndrome, ecchymotic type; Ehlers Danlos syndrome, arterial type; Ehlers Danlos syndrome, Sack-Barabas type. Identifiers: Orphanet 286, MedGen C0268338, MONDO:0017314, OMIM 130050.
Familial thoracic aortic aneurysm and aortic dissection (TAAD). Also called: Thoracic aortic aneurysms and dissections. Identifiers: Orphanet 91387, MedGen C4707243, MONDO:0019625.

Allele frequency attached by ClinVar (database versions not stated): gnomAD exomes 0.00002 and below 0.00001; gnomAD 0.00001; TOPMed 0.00001.
gnomAD v4.1: 6 of 1,610,450 alleles (0.00037%); highest among the groups gnomAD compares: Admixed American, 0.0067%; no homozygotes.

Submissions (2):

Color Diagnostics, LLC DBA Color Health
Classification: Uncertain significance for Familial thoracic aortic aneurysm and aortic dissection. Last evaluated: 2025-06-19. Review status: criteria provided, single submitter. Criteria: ACMG Guidelines, 2015. Collection method: clinical testing. Allele origin: germline.
Comment: This variant is located in the 5' untranslated region of the COL3A1 gene. To our knowledge, functional studies have not been reported for this variant. This variant has not been reported in individuals affected with COL3A1-related disorders in the literature. This variant has been identified in 4/251292 chromosomes in the general population by the Genome Aggregation Database (gnomAD). The available evidence is insufficient to determine the role of this variant in disease conclusively. Therefore, this variant is classified as a Variant of Uncertain Significance.

All of Us Research Program, National Institutes of Health
Classification: Uncertain significance for Ehlers-Danlos syndrome, type 4. Last evaluated: 2023-08-15. Review status: criteria provided, single submitter. Criteria: ACMG Guidelines, 2015. Collection method: clinical testing. Allele origin: germline. Inheritance: Autosomal dominant inheritance. Observed: 3 variant alleles, 3 heterozygotes.
Comment: This variant is located in the 5' untranslated region of the COL3A1 gene. To our knowledge, functional studies have not been reported for this variant. This variant has not been reported in individuals affected with cardiovascular disorders in the literature. This variant has been identified in 4/251292 chromosomes in the general population by the Genome Aggregation Database (gnomAD). The available evidence is insufficient to determine the role of this variant in disease conclusively. Therefore, this variant is classified as a Variant of Uncertain Significance.

This study involves interpretation of variants in research participants for the purpose of population health screening. Participant phenotype was not available at the time of variant classification. Additional details can be found in publication PMID: 35346344, PMCID: PMC8962531